The following is an entry in ClinVar:

NM_001267550.2(TTN):c.99836T>G (p.Val33279Gly)

Genes: TTN-AS1 (TTN antisense RNA 1; plus strand), TTN (titin; minus strand), LOC126806420 (BRD4-independent group 4 enhancer GRCh37_chr2:179401104-179402303; plus strand). Cytogenetic location: 2q31.2.
Variant type: single nucleotide variant.
Coding change: c.99836T>G on transcript NM_001267550.2 (MANE Select); coding-DNA position 99836, T replaced by G.
Protein change: p.Val33279Gly; replaces valine 33279 with glycine.
Molecular consequence: missense variant. On other transcripts: non-coding transcript variant (1).
Genome position (GRCh38, 1-based): chr2:178,537,371, A>C on the plus strand (T>G on the coding strand, the complement: TTN is on the minus strand). VCF-style: chr2-178537371-A-C. GRCh37 (hg19) VCF-style: chr2-179402098-A-C.
Other names: c.94913T>G, p.Val31638Gly (NM_001256850.1); c.72641T>G, p.Val24214Gly (NM_003319.4); c.92132T>G, p.Val30711Gly (NM_133378.4); c.73016T>G, p.Val24339Gly (NM_133432.3); c.73217T>G, p.Val24406Gly (NM_133437.4); short protein forms V33279G, V24406G, V24214G, V30711G, V31638G, V24339G.
Identifiers: ClinVar variation 535029 (VCV000535029.3), dbSNP rs770098799, ClinGen allele CA349427345.
Genomic context (GRCh38, chr2:178,537,371, plus strand): 5'-ATAAAAAGCACTGAAAATAAAAATAAAATACCTTGTATTTCCACATCAAGGATGGCATCA[A>C]CTGTTCCAAAAACATTGCTGAGCTGGACTTTGTATTTCCCAGCATGAGTCTTACGTTGGA-3'
Protein context (NP_001254479.2, residues 33269-33289): KVQLSNVFGT[Val33279Gly]DAILDVEIQD

ClinVar aggregate classification (germline): Uncertain significance (1 of 4 stars; one submission).

Conditions:
Autosomal recessive limb-girdle muscular dystrophy type 2J (LGMDR10). Also called: Limb-girdle muscular dystrophy, type 2J; MUSCULAR DYSTROPHY, LIMB-GIRDLE, AUTOSOMAL RECESSIVE 10. Identifiers: Orphanet 140922, MedGen C1837342, MONDO:0012127, OMIM 608807.
Dilated cardiomyopathy 1G (CMD1G). Identifiers: Orphanet 154, MedGen C1858763, MONDO:0011400, OMIM 604145.

Allele frequency attached by ClinVar (database versions not stated): gnomAD 0.00001.
gnomAD v4.1: 3 of 1,590,352 alleles (0.00019%); highest among the groups gnomAD compares: African/African-American, 0.004%; no homozygotes.

Submission:

Labcorp Genetics (formerly Invitae), Labcorp
Classification: Uncertain significance for Dilated cardiomyopathy 1G; Autosomal recessive limb-girdle muscular dystrophy type 2J. Last evaluated: 2017-11-11. Review status: criteria provided, single submitter. Criteria: Invitae Variant Classification Sherloc (09022015). Collection method: clinical testing. Allele origin: germline.
Comment: This sequence change replaces valine with glycine at codon 33279 of the TTN protein (p.Val33279Gly). TThere is a moderate physicochemical difference between valine and glycine. This variant is not present in population databases (ExAC no frequency). This variant has not been reported in the literature in individuals with TTN-related disease. Algorithms developed to predict the effect of sequence changes on RNA splicing suggest that this variant may create or strengthen a splice site, but this prediction has not been confirmed by published transcriptional studies. In summary, the available evidence is currently insufficient to determine the role of this variant in disease. Therefore, it has been classified as a Variant of Uncertain Significance.